The following is an entry in ClinVar:

ClinVar aggregate classification (germline): Likely pathogenic (1 of 4 stars; one submission).

Conditions:
Familial thoracic aortic aneurysm and aortic dissection (TAAD). Also called: Thoracic aortic aneurysms and dissections. Identifiers: Orphanet 91387, MedGen C4707243, MONDO:0019625.

Submission:

Ambry Genetics
Classification: Likely pathogenic for Familial thoracic aortic aneurysm and aortic dissection. Last evaluated: 2025-07-03. Review status: criteria provided, single submitter. Criteria: Ambry Variant Classification Scheme 2023. Collection method: clinical testing. Allele origin: germline.
Comment: The p.C1663Y variant (also known as c.4988G>A), located in coding exon 40 of the FBN1 gene, results from a G to A substitution at nucleotide position 4988. The cysteine at codon 1663 is replaced by tyrosine, an amino acid with highly dissimilar properties. This variant was reported in individual(s) with features consistent with Marfan syndrome (Arbustini E et al. Hum Mutat, 2005 Nov;26:494; Ambry internal data). The majority of FBN1 mutations identified to date have involved the substitution or generation of cysteine residues within cbEGF domains (Vollbrandt T et al. J Biol Chem. 2004;279(31):32924-32931). Internal structural analysis indicates this alteration eliminates a disulfide bond critical for the structural integrity of the cbEGF24 domain (Ambry internal data). This amino acid position is highly conserved in available vertebrate species. In addition, this alteration is predicted to be deleterious by in silico analysis. This variant is considered to be rare based on population cohorts in the Genome Aggregation Database (gnomAD). Based on the majority of available evidence to date, this variant is likely to be pathogenic.

Literature cited by the submitters: PubMed 16222657.

NM_000138.5(FBN1):c.4988G>A (p.Cys1663Tyr)

Gene: FBN1 (fibrillin 1; minus strand). Cytogenetic location: 15q21.1.
Variant type: single nucleotide variant.
Coding change: c.4988G>A on transcript NM_000138.5 (MANE Select); coding-DNA position 4988, G replaced by A.
Protein change: p.Cys1663Tyr; replaces cysteine 1663 with tyrosine.
Molecular consequence: missense variant.
Genome position (GRCh38, 1-based): chr15:48,463,976, C>T on the plus strand (G>A on the coding strand, the complement: FBN1 is on the minus strand). VCF-style: chr15-48463976-C-T. GRCh37 (hg19) VCF-style: chr15-48756173-C-T.
Other names: c.4988G>A, p.Cys1663Tyr (NM_001406716.1); short protein forms C1663Y.
Identifiers: ClinVar variation 4255446 (VCV004255446.1).